The following is an entry in ClinVar:

NM_002860.4(ALDH18A1):c.1147G>C (p.Glu383Gln)

Gene: ALDH18A1 (aldehyde dehydrogenase 18 family member A1; minus strand). Cytogenetic location: 10q24.1.
Variant type: single nucleotide variant.
Coding change: c.1147G>C on transcript NM_002860.4 (MANE Select); coding-DNA position 1147, G replaced by C.
Protein change: p.Glu383Gln; replaces glutamic acid 383 with glutamine.
Molecular consequence: missense variant.
Genome position (GRCh38, 1-based): chr10:95,626,708, C>G on the plus strand (G>C on the coding strand, the complement: ALDH18A1 is on the minus strand). VCF-style: chr10-95626708-C-G. GRCh37 (hg19) VCF-style: chr10-97386465-C-G.
Other names: c.1141G>C, p.Glu381Gln (NM_001017423.2, NM_001323415.2); c.814G>C, p.Glu272Gln (NM_001323412.2, NM_001323416.2); c.1147G>C, p.Glu383Gln (NM_001323413.2, NM_001323414.2); c.1042G>C, p.Glu348Gln (NM_001323417.2); c.808G>C, p.Glu270Gln (NM_001323418.2); c.511G>C, p.Glu171Gln (NM_001323419.2); short protein forms E171Q, E270Q, E272Q, E348Q, E381Q, E383Q.
Identifiers: ClinVar variation 3758928 (VCV003758928.2).

ClinVar aggregate classification (germline): Uncertain significance (1 of 4 stars; one submission).

Conditions:
Cutis laxa, autosomal dominant 3 (ADCL3). Identifiers: Orphanet 90348, MedGen C4225268, MONDO:0014706, OMIM 616603.
Autosomal dominant spastic paraplegia type 9. Identifiers: MedGen C1832669, MONDO:0015091.
de Barsy syndrome. Also called: Cutis laxa-corneal clouding-oligophrenia syndrome. Identifiers: Orphanet 2962, MedGen C0268354, MONDO:0017569.

Submission:

Labcorp Genetics (formerly Invitae), Labcorp
Classification: Uncertain significance for Autosomal dominant spastic paraplegia type 9; de Barsy syndrome; Cutis laxa, autosomal dominant 3. Last evaluated: 2024-12-18. Review status: criteria provided, single submitter. Criteria: Invitae Variant Classification Sherloc (09022015). Collection method: clinical testing. Allele origin: germline.
Comment: This sequence change replaces glutamic acid, which is acidic and polar, with glutamine, which is neutral and polar, at codon 383 of the ALDH18A1 protein (p.Glu383Gln). This variant is not present in population databases (gnomAD no frequency). This variant has not been reported in the literature in individuals affected with ALDH18A1-related conditions. Invitae Evidence Modeling of protein sequence and biophysical properties (such as structural, functional, and spatial information, amino acid conservation, physicochemical variation, residue mobility, and thermodynamic stability) indicates that this missense variant is not expected to disrupt ALDH18A1 protein function with a negative predictive value of 80%. In summary, the available evidence is currently insufficient to determine the role of this variant in disease. Therefore, it has been classified as a Variant of Uncertain Significance.